The following is an entry in ClinVar:

NM_206937.2(LIG4):c.1972A>G (p.Ile658Val)

Gene: LIG4 (DNA ligase 4; minus strand). Cytogenetic location: 13q33.3.
Variant type: single nucleotide variant.
Coding change: c.1972A>G on transcript NM_206937.2 (MANE Select); coding-DNA position 1972, A replaced by G.
Protein change: p.Ile658Val; replaces isoleucine 658 with valine.
Molecular consequence: missense variant.
Genome position (GRCh38, 1-based): chr13:108,209,297, T>C on the plus strand (A>G on the coding strand, the complement: LIG4 is on the minus strand). VCF-style: chr13-108209297-T-C. GRCh37 (hg19) VCF-style: chr13-108861645-T-C.
Other names: p.Ile658Val; c.1972A>G, p.Ile658Val (NM_001098268.2, NM_001352598.2, NM_001352599.2 and 6 more transcripts); c.1771A>G, p.Ile591Val (NM_001330595.2); c.2008A>G, p.Ile670Val (NM_001352604.2); short protein forms I658V, I591V, I670V.
Identifiers: ClinVar variation 695189 (VCV000695189.16), dbSNP rs2232641, ClinGen allele CA7043573.

ClinVar aggregate classification (germline): Benign. Review status: criteria provided, multiple submitters, no conflicts (2 of 4 stars). 5 submissions from 4 submitters: Benign (5). Last evaluated 2026-02-02.

Conditions:
Severe combined immunodeficiency due to DCLRE1C deficiency (RS-SCID). Also called: SCID, AUTOSOMAL RECESSIVE, T CELL-NEGATIVE, B CELL-NEGATIVE, NK CELL-POSITIVE, WITH SENSITIVITY TO IONIZING RADIATION. Identifiers: Orphanet 275, MedGen C1865371, MONDO:0011225, OMIM 602450.
DNA ligase IV deficiency. Identifiers: Orphanet 99812, MedGen C1847827, MONDO:0011686, OMIM 606593.

Allele frequency attached by ClinVar (database versions not stated): ESP Exome Variant Server 0.00008; gnomAD 0.00051 and 0.00092; gnomAD exomes 0.00153 and 0.00110; 1000 Genomes Project 30x 0.00422; 1000 Genomes Project 0.00459; TOPMed 0.00083; ExAC 0.00167.

Submissions (5):

Labcorp Genetics (formerly Invitae), Labcorp
Classification: Benign for DNA ligase IV deficiency. Last evaluated: 2026-02-02. Review status: criteria provided, single submitter. Criteria: Invitae Variant Classification Sherloc (09022015). Collection method: clinical testing. Allele origin: germline.

Mayo Clinic Laboratories, Mayo Clinic
Classification: Benign. Last evaluated: 2024-11-18. Review status: criteria provided, single submitter. Criteria: ACMG Guidelines, 2015. Collection method: clinical testing. Allele origin: germline. Observed: 1 variant allele.
Comment: BS1, BS2, BP4

Illumina Laboratory Services, Illumina
Classification: Benign for Severe combined immunodeficiency due to DCLRE1C deficiency. Last evaluated: 2017-04-27. Review status: criteria provided, single submitter. Criteria: ICSL Variant Classification Criteria 13 December 2019. Collection method: clinical testing. Allele origin: germline.
Comment: This variant was observed as part of a predisposition screen in an ostensibly healthy population. A literature search was performed for the gene, cDNA change, and amino acid change (where applicable). No publications were found based on this search. Allele frequency data from public databases was too high to be consistent with this variant causing disease. Therefore, this variant is classified as benign.

Illumina Laboratory Services, Illumina
Classification: Benign for DNA ligase IV deficiency. Last evaluated: 2017-04-27. Review status: criteria provided, single submitter. Criteria: ICSL Variant Classification Criteria 13 December 2019. Collection method: clinical testing. Allele origin: germline.
Comment: the same text as in the submission from Illumina Laboratory Services, Illumina above.

Breakthrough Genomics
Classification: Benign. Review status: criteria provided, single submitter. Criteria: ACMG Guidelines, 2015. Collection method: not provided. Allele origin: germline. Inheritance: Autosomal recessive inheritance. Affected: yes.